The following is an entry in ClinVar:

NM_170662.5(CBLB):c.2702C>G (p.Ala901Gly)

Gene: CBLB (Cbl proto-oncogene B; minus strand). Cytogenetic location: 3q13.11.
Variant type: single nucleotide variant.
Coding change: c.2702C>G on transcript NM_170662.5 (MANE Select); coding-DNA position 2702, C replaced by G.
Protein change: p.Ala901Gly; replaces alanine 901 with glycine.
Molecular consequence: missense variant. On other transcripts: non-coding transcript variant (7).
Genome position (GRCh38, 1-based): chr3:105,659,217, G>C on the plus strand (C>G on the coding strand, the complement: CBLB is on the minus strand). VCF-style: chr3-105659217-G-C. GRCh37 (hg19) VCF-style: chr3-105378061-G-C.
Other names: c.2786C>G, p.Ala929Gly (NM_001321786.1); c.2702C>G, p.Ala901Gly (NM_001321788.2); c.2639C>G, p.Ala880Gly (NM_001321789.1); c.2636C>G, p.Ala879Gly (NM_001321790.2); c.2570C>G, p.Ala857Gly (NM_001321791.2, NM_001321793.2); c.2555C>G, p.Ala852Gly (NM_001321794.2, NM_001321795.2, NM_001321796.2); c.2423C>G, p.Ala808Gly (NM_001321797.2, NM_001321798.2, NM_001321799.2); c.1922C>G, p.Ala641Gly (NM_001321806.2, NM_001321807.2); and 5 more; short protein forms A901G, A458G, A461G, A548G, A592G, A597G, A641G, A808G.
Identifiers: ClinVar variation 133826 (VCV000133826.1), dbSNP rs55821768, ClinGen allele CA157899.

ClinVar aggregate classification (germline): not provided (0 of 4 stars; one submission).

Allele frequency attached by ClinVar (database versions not stated): 1000 Genomes Project 30x 0.00016; 1000 Genomes Project 0.00020; gnomAD exomes 0.00031 and 0.00052; TOPMed 0.00036; gnomAD 0.00044; ExAC 0.00059; ESP Exome Variant Server 0.00069.
gnomAD v4.1: 544 of 1,613,840 alleles (0.034%); highest among the groups gnomAD compares: Middle Eastern, 1.4%; 2 homozygotes.

Submission:

ITMI
No classification provided. Condition: AllHighlyPenetrant. Last evaluated: 2013-09-19. Review status: no classification provided. Collection method: reference population. Allele origin: germline.
Comment: Please see associated publication for description of ethnicities

Literature cited by the submitters: PubMed 24728327.